The following is an entry in ClinVar:

NM_000535.7(PMS2):c.1574G>A (p.Gly525Glu)

Gene: PMS2 (PMS1 homolog 2, mismatch repair system component; minus strand). Cytogenetic location: 7p22.1.
Variant type: single nucleotide variant.
Coding change: c.1574G>A on transcript NM_000535.7 (MANE Select); coding-DNA position 1574, G replaced by A.
Protein change: p.Gly525Glu; replaces glycine 525 with glutamic acid.
Molecular consequence: missense variant. On other transcripts: non-coding transcript variant (1).
Genome position (GRCh38, 1-based): chr7:5,987,191, C>T on the plus strand (G>A on the coding strand, the complement: PMS2 is on the minus strand). VCF-style: chr7-5987191-C-T. GRCh37 (hg19) VCF-style: chr7-6026822-C-T.
Other names: c.1574G>A (NM_000535.6); c.1169G>A, p.Gly390Glu (NM_001018040.1, NM_001322003.2, NM_001322004.2 and 17 more transcripts); c.1418G>A, p.Gly473Glu (NM_001322006.2, NM_001406870.1); c.1256G>A, p.Gly419Glu (NM_001322007.2, NM_001322008.2, NM_001406876.1 and 2 more transcripts); c.1013G>A, p.Gly338Glu (NM_001322010.2, NM_001406906.1, NM_001406907.1); c.641G>A, p.Gly214Glu (NM_001322011.2, NM_001322012.2); c.1001G>A, p.Gly334Glu (NM_001322013.2, NM_001406909.1); c.1574G>A, p.Gly525Glu (NM_001322014.2, NM_001406871.1, NM_001406872.1); and 13 more; short protein forms G214E, G370E, G390E, G413E, G489E, G338E, G354E, G403E.
Identifiers: ClinVar variation 2051055 (VCV002051055.8), dbSNP rs2128727664, ClinGen allele CA366741560.

ClinVar aggregate classification (germline): Conflicting classifications of pathogenicity. Review status: criteria provided, conflicting classifications (1 of 4 stars). 4 submissions from 4 submitters: Uncertain significance (3); Likely benign (1). Last evaluated 2025-05-07.

Conditions:
Hereditary nonpolyposis colorectal neoplasms. Identifiers: MedGen C0009405, MeSH D003123.
Hereditary cancer-predisposing syndrome. Also called: Hereditary neoplastic syndrome; Neoplastic Syndromes, Hereditary; Tumor predisposition; Hereditary Cancer Syndrome. Identifiers: Orphanet 140162, MedGen C0027672, MeSH D009386, MONDO:0015356.

Submissions (4):

Quest Diagnostics Nichols Institute San Juan Capistrano
Classification: Uncertain significance. Last evaluated: 2025-05-07. Review status: criteria provided, single submitter. Criteria: Quest Diagnostics criteria. Collection method: clinical testing. Allele origin: unknown.
Comment: The PMS2 c.1574G>A (p.Gly525Glu) variant has not been reported in individuals with PMS2-related conditions in the published literature. It also has not been reported in large, multi-ethnic general populations (Genome Aggregation Database). Analysis of this variant using bioinformatics tools for the prediction of the effect of amino acid changes on protein structure and function yielded predictions that this variant is benign. Based on the available information, we are unable to determine the clinical significance of this variant.

Labcorp Genetics (formerly Invitae), Labcorp
Classification: Uncertain significance for Hereditary nonpolyposis colorectal neoplasms. Last evaluated: 2024-03-12. Review status: criteria provided, single submitter. Criteria: Invitae Variant Classification Sherloc (09022015). Collection method: clinical testing. Allele origin: germline.
Comment: This sequence change replaces glycine, which is neutral and non-polar, with glutamic acid, which is acidic and polar, at codon 525 of the PMS2 protein (p.Gly525Glu). This variant is not present in population databases (gnomAD no frequency). This variant has not been reported in the literature in individuals affected with PMS2-related conditions. ClinVar contains an entry for this variant (Variation ID: 2051055). Advanced modeling of protein sequence and biophysical properties (such as structural, functional, and spatial information, amino acid conservation, physicochemical variation, residue mobility, and thermodynamic stability) performed at Invitae indicates that this missense variant is not expected to disrupt PMS2 protein function with a negative predictive value of 80%. In summary, the available evidence is currently insufficient to determine the role of this variant in disease. Therefore, it has been classified as a Variant of Uncertain Significance.

Color Diagnostics, LLC DBA Color Health
Classification: Uncertain significance for Hereditary cancer-predisposing syndrome. Last evaluated: 2024-03-06. Review status: criteria provided, single submitter. Criteria: ACMG Guidelines, 2015. Collection method: clinical testing. Allele origin: germline.
Comment: This missense variant replaces glycine with glutamic acid at codon 525 of the PMS2 protein. Computational prediction suggests that this variant may not impact protein structure and function (internally defined REVEL score threshold <= 0.5, PMID: 27666373). To our knowledge, functional studies have not been reported for this variant. This variant has not been reported in individuals affected with hereditary cancer in the literature. This variant has not been identified in the general population by the Genome Aggregation Database (gnomAD). The available evidence is insufficient to determine the role of this variant in disease conclusively. Therefore, this variant is classified as a Variant of Uncertain Significance.

Ambry Genetics
Classification: Likely benign for Hereditary cancer-predisposing syndrome. Last evaluated: 2023-07-29. Review status: criteria provided, single submitter. Criteria: Ambry Variant Classification Scheme 2023. Collection method: clinical testing. Allele origin: germline.